The following is an entry in ClinVar:

NM_000202.8(IDS):c.15G>C (p.Arg5=)

Genes: IDS (iduronate 2-sulfatase; minus strand), LOC130068781 (ATAC-STARR-seq lymphoblastoid active region 30015; plus strand). Cytogenetic location: Xq28.
Variant type: single nucleotide variant.
Coding change: c.15G>C on transcript NM_000202.8 (MANE Select); coding-DNA position 15, G replaced by C.
Protein change: p.Arg5=; no amino-acid change (arginine 5 retained).
Molecular consequence: synonymous variant. On other transcripts: 5 prime UTR variant (1), non-coding transcript variant (1).
Genome position (GRCh38, 1-based): chrX:149,505,123, C>G on the plus strand (G>C on the coding strand, the complement: IDS is on the minus strand). VCF-style: chrX-149505123-C-G. GRCh37 (hg19) VCF-style: chrX-148586653-C-G.
Other names: c.-212G>C (NM_001166550.4); c.15G>C, p.Arg5= (NM_006123.5).
Identifiers: ClinVar variation 2661617 (VCV002661617.24), dbSNP rs2124069552, ClinGen allele CA519063282.

ClinVar aggregate classification (germline): Likely benign (1 of 4 stars; one submission).

Submission:

CeGaT Center for Human Genetics Tuebingen
Classification: Likely benign. Last evaluated: 2023-07-01. Review status: criteria provided, single submitter. Criteria: CeGaT Center For Human Genetics Tuebingen Variant Classification Criteria Version 2. Collection method: clinical testing. Allele origin: germline. Affected: yes. Observed: 1 variant allele.
Comment: IDS: PM2:Supporting, BP4, BP7